The following is an entry in ClinVar:

ClinVar aggregate classification (germline): Pathogenic/Likely pathogenic. Review status: criteria provided, multiple submitters, no conflicts (2 of 4 stars). 2 submissions from 2 submitters: Pathogenic (1); Likely pathogenic (1). Last evaluated 2025-02-03.

Conditions:
Glutaric acidemia type 2A.
Multiple acyl-CoA dehydrogenase deficiency (MADD). Also called: Glutaric acidemia type II; GA 2; ETHYLMALONIC-ADIPICACIDURIA; GA II; Glutaric Acidemia type 2; Glutaric aciduria, type 2. Identifiers: Orphanet 26791, MedGen C0268596, MONDO:0009282, OMIM 231680.

Allele frequency attached by ClinVar (database versions not stated): gnomAD exomes below 0.00001; TOPMed 0.00001.
gnomAD v4.1: 2 of 1,608,792 alleles (0.00012%); highest among the groups gnomAD compares: African/African-American, 0.0027%; no homozygotes.

Submissions (2):

Natera, Inc.
Classification: Likely pathogenic for Glutaric acidemia type 2A. Last evaluated: 2025-02-03. Review status: criteria provided, single submitter. Criteria: Natera Variant Classification Schema (03/2026). Collection method: clinical testing. Allele origin: germline.
Comment: The c.44C>A variant in ETFA is a nonsense variant predicted to introduce a stop codon at amino acid 15. This variant is expected to result in nonsense mediated decay, truncation, or a dysfunctional protein product. This variant is rare in the general population with a frequency below the threshold expected for the associated phenotype(s). Given the available evidence, this variant is classified as Likely Pathogenic.

Labcorp Genetics (formerly Invitae), Labcorp
Classification: Pathogenic for Multiple acyl-CoA dehydrogenase deficiency. Last evaluated: 2021-09-25. Review status: criteria provided, single submitter. Criteria: Invitae Variant Classification Sherloc (09022015). Collection method: clinical testing. Allele origin: germline.
Comment: This sequence change creates a premature translational stop signal (p.Ser15*) in the ETFA gene. It is expected to result in an absent or disrupted protein product. Loss-of-function variants in ETFA are known to be pathogenic (PMID: 16510302, 23785301). This variant is not present in population databases (ExAC no frequency). This variant has not been reported in the literature in individuals affected with ETFA-related conditions. For these reasons, this variant has been classified as Pathogenic.

Literature cited by the submitters: PubMed 16510302 (cited by Labcorp Genetics (formerly Invitae), Labcorp); PubMed 23785301 (cited by Labcorp Genetics (formerly Invitae), Labcorp).

NM_000126.4(ETFA):c.44C>A (p.Ser15Ter)

Gene: ETFA (electron transfer flavoprotein subunit alpha; minus strand). Cytogenetic location: 15q24.2.
Variant type: single nucleotide variant.
Coding change: c.44C>A on transcript NM_000126.4 (MANE Select); coding-DNA position 44, C replaced by A.
Protein change: p.Ser15Ter; replaces serine 15 with a stop codon.
Molecular consequence: nonsense. On other transcripts: intron variant (1).
Genome position (GRCh38, 1-based): chr15:76,295,733, G>T on the plus strand (C>A on the coding strand, the complement: ETFA is on the minus strand). VCF-style: chr15-76295733-G-T. GRCh37 (hg19) VCF-style: chr15-76588074-G-T.
Other names: c.44C>A (NM_000126.3); c.40-3033C>A (NM_001127716.2); short protein forms S15*.
Identifiers: ClinVar variation 1456409 (VCV001456409.8), dbSNP rs1047426224, ClinGen allele CA273700384.